The following is an entry in ClinVar:

NM_001267550.2(TTN):c.60138T>C (p.Tyr20046=)

Genes: TTN (titin; minus strand), TTN-AS1 (TTN antisense RNA 1; plus strand), LOC126806424 (CDK7 strongly-dependent group 2 enhancer GRCh37_chr2:179456337-179457536; plus strand). Cytogenetic location: 2q31.2.
Variant type: single nucleotide variant.
Coding change: c.60138T>C on transcript NM_001267550.2 (MANE Select); coding-DNA position 60138, T replaced by C.
Protein change: p.Tyr20046=; no amino-acid change (tyrosine 20046 retained).
Molecular consequence: synonymous variant.
Genome position (GRCh38, 1-based): chr2:178,591,681, A>G on the plus strand (T>C on the coding strand, the complement: TTN is on the minus strand). VCF-style: chr2-178591681-A-G. GRCh37 (hg19) VCF-style: chr2-179456408-A-G.
Other names: c.55215T>C, p.Tyr18405= (NM_001256850.1); c.32943T>C, p.Tyr10981= (NM_003319.4); c.52434T>C, p.Tyr17478= (NM_133378.4); c.33318T>C, p.Tyr11106= (NM_133432.3); c.33519T>C, p.Tyr11173= (NM_133437.4).
Identifiers: ClinVar variation 516824 (VCV000516824.17), dbSNP rs1215527173, ClinGen allele CA430266894.

ClinVar aggregate classification (germline): Likely benign. Review status: criteria provided, multiple submitters, no conflicts (2 of 4 stars). 6 submissions from 6 submitters: Likely benign (6). Last evaluated 2026-01-05.

Conditions:
TTN-related disorder. Also called: TTN-related condition; TTN-related disease; TTN-related disorders.
Cardiovascular phenotype. Identifiers: MedGen CN230736.
Autosomal recessive limb-girdle muscular dystrophy type 2J (LGMDR10). Also called: Limb-girdle muscular dystrophy, type 2J; MUSCULAR DYSTROPHY, LIMB-GIRDLE, AUTOSOMAL RECESSIVE 10. Identifiers: Orphanet 140922, MedGen C1837342, MONDO:0012127, OMIM 608807.
Dilated cardiomyopathy 1G (CMD1G). Identifiers: Orphanet 154, MedGen C1858763, MONDO:0011400, OMIM 604145.
Cardiomyopathy (CMYO). Also called: Cardiomyopathies. Identifiers: Orphanet 167848, MedGen C0878544, MONDO:0004994, HP:0001638. Inheritance: Various modes of inheritance.

Allele frequency attached by ClinVar (database versions not stated): gnomAD exomes 0.00001; gnomAD 0.00003 and 0.00004; TOPMed 0.00005.
gnomAD v4.1: 16 of 1,613,332 alleles (0.00099%); highest among the groups gnomAD compares: African/African-American, 0.0067%; no homozygotes.

Submissions (6):

Labcorp Genetics (formerly Invitae), Labcorp
Classification: Likely benign for Dilated cardiomyopathy 1G; Autosomal recessive limb-girdle muscular dystrophy type 2J. Last evaluated: 2026-01-05. Review status: criteria provided, single submitter. Criteria: Invitae Variant Classification Sherloc (09022015). Collection method: clinical testing. Allele origin: germline.

PreventionGenetics, part of Exact Sciences
Classification: Likely benign for TTN-related condition. Last evaluated: 2025-07-30. Review status: criteria provided, single submitter. Criteria: ACMG Guidelines, 2015. Collection method: clinical testing. Allele origin: germline.
Comment: This variant is classified as likely benign based on ACMG/AMP sequence variant interpretation guidelines (Richards et al. 2015 PMID: 25741868, with internal and published modifications).

Blueprint Genetics
Classification: Likely benign. Last evaluated: 2024-02-08. Review status: criteria provided, single submitter. Criteria: ACMG Guidelines, 2015. Collection method: clinical testing. Allele origin: germline.

Ambry Genetics
Classification: Likely benign for Cardiovascular phenotype. Last evaluated: 2021-09-09. Review status: criteria provided, single submitter. Criteria: Ambry Variant Classification Scheme 2023. Collection method: clinical testing. Allele origin: germline.

GeneDx
Classification: Likely benign. Last evaluated: 2021-03-02. Review status: criteria provided, single submitter. Criteria: GeneDx Variant Classification Process June 2021. Collection method: clinical testing. Allele origin: germline. Affected: yes.
Comment: Has not been previously published as pathogenic or benign to our knowledge

CHEO Genetics Diagnostic Laboratory, Children's Hospital of Eastern Ontario
Classification: Likely benign for Cardiomyopathy. Last evaluated: 2016-08-10. Review status: criteria provided, single submitter. Criteria: ACMG Guidelines, 2015. Collection method: clinical testing. Allele origin: germline. Study: Canadian Open Genetics Repository.